The following is an entry in ClinVar:

ClinVar aggregate classification (germline): Conflicting classifications of pathogenicity. Review status: criteria provided, conflicting classifications (1 of 4 stars). 18 submissions from 18 submitters: Uncertain significance (15); Likely benign (1). 2 of the submissions do not count toward it. Last evaluated 2026-08-06.
ClinVar aggregate classification (oncogenicity): Uncertain significance (1 of 4 stars; one submission).

Conditions:
ATM-related cancer predisposition. Also called: ATM-related cancer susceptibility. Identifiers: MedGen CN377759, MONDO:0700270.
ATM-related disorder. Also called: ATM-related disorders; ATM-related condition.
Hereditary cancer-predisposing syndrome. Also called: Neoplastic Syndromes, Hereditary; Hereditary Cancer Syndrome; Tumor predisposition; Hereditary neoplastic syndrome. Identifiers: Orphanet 140162, MedGen C0027672, MeSH D009386, MONDO:0015356.
Familial cancer of breast. Also called: BREAST CANCER, FAMILIAL; hereditary breast carcinoma; Hereditary breast cancer. Identifiers: Orphanet 227535, MedGen C0346153, MONDO:0016419, OMIM 114480. Disease mechanism: loss of function.
Ataxia-telangiectasia syndrome (AT). Also called: Ataxia-telangiectasia, complementation group D; AT, COMPLEMENTATION GROUP C; Ataxia-telangiectasia; ATAXIA-TELANGIECTASIA, COMPLEMENTATION GROUP A; ATAXIA-TELANGIECTASIA, FRESNO VARIANT; Ataxia-telangiectasia, complementation group E. Identifiers: Orphanet 100, MedGen C0004135, MONDO:0008840, OMIM 208900.
Malignant tumor of breast. Also called: Malignant breast neoplasm; Cancer breast. Identifiers: MedGen C0006142, MONDO:0007254. Disease mechanism: loss of function.
Neoplasm. Also called: Neoplasms; Neoplasm (disease); tumor. Identifiers: MedGen C0027651, MeSH D009369, MONDO:0005070, HP:0002664.

Allele frequency attached by ClinVar (database versions not stated): TOPMed 0.00006; ExAC 0.00007; ESP Exome Variant Server 0.00015; gnomAD 0.00004; gnomAD exomes 0.00005.
gnomAD v4.1: 55 of 1,613,562 alleles (0.0034%); highest among the groups gnomAD compares: Admixed American, 0.0067%; no homozygotes.

Submissions 1 to 11 of 19:

OLLIN Analises Genomicas, OLLIN
Classification: Uncertain significance for Familial cancer of breast. Last evaluated: 2026-08-06. Review status: criteria provided, single submitter. Criteria: ACMG Guidelines 2015 PMID 25741868. Collection method: clinical testing. Allele origin: germline. Inheritance: Autosomal recessive inheritance.
Comment: This missense variant, located in exon 58 (of 63), has been reported in ClinVar (accession VCV001488417.8) and in gnomAD with an allele frequency of 0.0034%. However, to our knowledge, it has not been reported in the scientific literature. In silico analysis predicts that this variant has a deleterious effect. According to the currently available evidence, this variant has been classified as uncertain significance (PP3).

PreventionGenetics, part of Exact Sciences
Classification: Uncertain significance for ATM-related condition. Last evaluated: 2026-05-07. Review status: criteria provided, single submitter. Criteria: ACMG Guidelines, 2015. Collection method: clinical testing. Allele origin: germline.
Comment: The ATM c.8558C>T variant is predicted to result in the amino acid substitution p.Thr2853Met. This variant has been reported in individuals with a history of breast cancer (Table S5, Decker et al. 2017. PubMed ID: 28779002; Dorling et al. 2021. PubMed ID: 33471991; Table 2, Eygelaar et al. 2022. PubMed ID: 35039564), pancreatic cancer (Bono et al. 2021. PubMed ID: 34371384), or chronic lymphocytic leukemia (Table S8, Nadeu et al. 2016. PubMed ID: 26837699); but has also been reported in control individuals (Dorling et al. 2021. PubMed ID: 33471991). This variant is reported in 0.012% of alleles in individuals of African descent in gnomAD and has interpretations ranging from likely benign to uncertain significance in ClinVar (Variation ID: 142249). At this time, the clinical significance of this variant is uncertain due to the absence of conclusive functional and genetic evidence.

Dasa
Classification: Uncertain significance for ATM-related cancer predisposition. Last evaluated: 2025-11-24. Review status: criteria provided, single submitter. Criteria: DASA Assertion Criteria. Collection method: clinical testing. Allele origin: germline.
Comment: NM_000051.4(ATM):c.8558C>T (p.Thr2853Met) is a missense variant that results in the substitution of threonine with methionine. This variant is rare in population databases. Computational prediction algorithms are consistent with a deleterious effect. The currently available literature and clinical evidence are not sufficient to establish a definitive association between this variant and the reported condition. Therefore, this variant is classified as a variant of uncertain significance.

GeneDx
Classification: Uncertain significance. Last evaluated: 2025-03-17. Review status: criteria provided, single submitter. Criteria: GeneDx Variant Classification Process June 2021. Collection method: clinical testing. Allele origin: germline. Affected: yes.
Comment: Not observed at significant frequency in large population cohorts (gnomAD); In silico analysis supports that this missense variant has a deleterious effect on protein structure/function; This variant is associated with the following publications: (PMID: 26837699, 25503501, 26689913, 28779002, 28188106, 27304073, 25042771, 28652578, 30613976, 33436325, 34371384, 35039564, 32522261, 35365198, 30253992, 23532176, 36568162, 33471991, 36446039, 35171259, 37262986)

Center for Genomic Medicine, Rigshospitalet, Copenhagen University Hospital
Classification: Uncertain significance. Last evaluated: 2025-03-04. Review status: criteria provided, single submitter. Criteria: ACMG Guidelines, 2015. Collection method: clinical testing. Allele origin: germline.

Center for Genomic Medicine, Rigshospitalet, Copenhagen University Hospital
Classification: Uncertain significance for Neoplasm. Last evaluated: 2025-03-04. Review status: criteria provided, single submitter. Criteria: ClinGen/CGC/VICC Guidelines for Oncogenicity, 2022. Collection method: clinical testing. Allele origin: somatic. Affected: yes.

Labcorp Genetics (formerly Invitae), Labcorp
Classification: Uncertain significance for Ataxia-telangiectasia syndrome. Last evaluated: 2025-01-19. Review status: criteria provided, single submitter. Criteria: Invitae Variant Classification Sherloc (09022015). Collection method: clinical testing. Allele origin: germline.
Comment: This sequence change replaces threonine, which is neutral and polar, with methionine, which is neutral and non-polar, at codon 2853 of the ATM protein (p.Thr2853Met). This variant is present in population databases (rs141534716, gnomAD 0.01%). This missense change has been observed in individual(s) with breast cancer, chronic lymphocytic leukemia, gastric cancer, pancreatic cancer, and/or prostate cancer (PMID: 26689913, 26837699, 30613976, 33436325, 34371384, 35171259). This suggests that this variant may not be disease-causing. ClinVar contains an entry for this variant (Variation ID: 142249). Invitae Evidence Modeling of protein sequence and biophysical properties (such as structural, functional, and spatial information, amino acid conservation, physicochemical variation, residue mobility, and thermodynamic stability) indicates that this missense variant is expected to disrupt ATM protein function with a positive predictive value of 95%. In summary, the available evidence is currently insufficient to determine the role of this variant in disease. Therefore, it has been classified as a Variant of Uncertain Significance.

Quest Diagnostics Nichols Institute San Juan Capistrano
Classification: Uncertain significance. Last evaluated: 2025-01-03. Review status: criteria provided, single submitter. Criteria: Quest Diagnostics criteria. Collection method: clinical testing. Allele origin: unknown.

Ambry Genetics
Classification: Uncertain significance for Hereditary cancer-predisposing syndrome. Last evaluated: 2024-10-21. Review status: criteria provided, single submitter. Criteria: Ambry Variant Classification Scheme 2023. Collection method: clinical testing. Allele origin: germline.
Comment: The p.T2853M variant (also known as c.8558C>T), located in coding exon 57 of the ATM gene, results from a C to T substitution at nucleotide position 8558. The threonine at codon 2853 is replaced by methionine, an amino acid with similar properties. This alteration was identified in a cohort of 13087 breast cancer cases from the UK (Decker B et al. J. Med. Genet. 2017 Nov;54:732-741). This amino acid position is highly conserved in available vertebrate species. In addition, this alteration is predicted to be deleterious by in silico analysis. Since supporting evidence is limited at this time, the clinical significance of this alteration remains unclear.

Color Diagnostics, LLC DBA Color Health
Classification: Uncertain significance for Hereditary cancer-predisposing syndrome. Last evaluated: 2024-10-15. Review status: criteria provided, single submitter. Criteria: ACMG Guidelines, 2015. Collection method: clinical testing. Allele origin: germline.
Comment: This missense variant replaces threonine with methionine at codon 2853 of the ATM protein. Computational prediction suggests that this variant may have deleterious impact on protein structure and function. To our knowledge, functional studies have not been reported for this variant. This variant has been reported in individuals affected with breast cancer (PMID: 28779002, 33471991, 35039564), pancreatic cancer (PMID: 34371384), or chronic lymphocytic leukemia (PMID: 26837699), as well as in unaffected controls (PMID: 33471991, 35365198). This variant has been identified in 15/282472 chromosomes in the general population by the Genome Aggregation Database (gnomAD). The available evidence is insufficient to determine the role of this variant in disease conclusively. Therefore, this variant is classified as a Variant of Uncertain Significance.

CeGaT Center for Human Genetics Tuebingen
Classification: Uncertain significance. Last evaluated: 2024-08-01. Review status: criteria provided, single submitter. Criteria: CeGaT Center For Human Genetics Tuebingen Variant Classification Criteria Version 2. Collection method: clinical testing. Allele origin: germline. Affected: yes. Observed: 1 variant allele.

NM_000051.4(ATM):c.8558C>T (p.Thr2853Met)

Genes: ATM (ATM serine/threonine kinase; plus strand), C11orf65 (chromosome 11 open reading frame 65; minus strand). Cytogenetic location: 11q22.3.
Variant type: single nucleotide variant.
Coding change: c.8558C>T on transcript NM_000051.4 (MANE Select); coding-DNA position 8558, C replaced by T.
Protein change: p.Thr2853Met; replaces threonine 2853 with methionine.
Molecular consequence: missense variant. On other transcripts: intron variant (2).
Genome position (GRCh38, 1-based): chr11:108,345,882, C>T. VCF-style: chr11-108345882-C-T. GRCh37 (hg19) VCF-style: chr11-108216609-C-T.
Other names: p.T2853M:ACG>ATG; c.8558C>T, p.Thr2853Met (NM_001351834.2); c.641-36811G>A (NM_001330368.2); c.695-10590G>A (NM_001351110.2); short protein forms T2853M.
Identifiers: ClinVar variation 142249 (VCV000142249.57), dbSNP rs141534716, ClinGen allele CA294334.